The following is an entry in ClinVar:

ClinVar aggregate classification (germline): Conflicting classifications of pathogenicity. Review status: criteria provided, conflicting classifications (1 of 4 stars). 2 submissions from 2 submitters: Uncertain significance (1); Likely benign (1). Last evaluated 2024-06-06.

Conditions:
Familial cancer of breast. Also called: Hereditary breast cancer; hereditary breast carcinoma; BREAST CANCER, FAMILIAL. Identifiers: Orphanet 227535, MedGen C0346153, MONDO:0016419, OMIM 114480. Disease mechanism: loss of function.
Hereditary cancer-predisposing syndrome. Also called: Neoplastic Syndromes, Hereditary; Tumor predisposition; Hereditary neoplastic syndrome; Hereditary Cancer Syndrome. Identifiers: Orphanet 140162, MedGen C0027672, MeSH D009386, MONDO:0015356.

Allele frequency attached by ClinVar (database versions not stated): gnomAD exomes below 0.00001.
gnomAD v4.1: 1 of 1,614,136 alleles (0.000062%); highest among the groups gnomAD compares: African/African-American, 0.0013%; no homozygotes.

Submissions (2):

Labcorp Genetics (formerly Invitae), Labcorp
Classification: Uncertain significance for Familial cancer of breast. Last evaluated: 2024-06-06. Review status: criteria provided, single submitter. Criteria: Invitae Variant Classification Sherloc (09022015). Collection method: clinical testing. Allele origin: germline.
Comment: This sequence change replaces serine, which is neutral and polar, with threonine, which is neutral and polar, at codon 190 of the PALB2 protein (p.Ser190Thr). This variant is not present in population databases (gnomAD no frequency). This variant has not been reported in the literature in individuals affected with PALB2-related conditions. ClinVar contains an entry for this variant (Variation ID: 839779). Algorithms developed to predict the effect of missense changes on protein structure and function output the following: SIFT: "Not Available"; PolyPhen-2: "Benign"; Align-GVGD: "Not Available". The threonine amino acid residue is found in multiple mammalian species, which suggests that this missense change does not adversely affect protein function. In summary, the available evidence is currently insufficient to determine the role of this variant in disease. Therefore, it has been classified as a Variant of Uncertain Significance.

Ambry Genetics
Classification: Likely benign for Hereditary cancer-predisposing syndrome. Last evaluated: 2020-03-18. Review status: criteria provided, single submitter. Criteria: Ambry Variant Classification Scheme 2023. Collection method: clinical testing. Allele origin: germline.

NM_024675.4(PALB2):c.568T>A (p.Ser190Thr)

Gene: PALB2 (partner and localizer of BRCA2; minus strand). Cytogenetic location: 16p12.2.
Variant type: single nucleotide variant.
Coding change: c.568T>A on transcript NM_024675.4 (MANE Select); coding-DNA position 568, T replaced by A.
Protein change: p.Ser190Thr; replaces serine 190 with threonine.
Molecular consequence: missense variant.
Genome position (GRCh38, 1-based): chr16:23,635,978, A>T on the plus strand (T>A on the coding strand, the complement: PALB2 is on the minus strand). VCF-style: chr16-23635978-A-T. GRCh37 (hg19) VCF-style: chr16-23647299-A-T.
Other names: short protein forms S190T.
Identifiers: ClinVar variation 839779 (VCV000839779.13), dbSNP rs1967037502, ClinGen allele CA395136806.